The following is an entry in ClinVar:

NM_001164508.2(NEB):c.17608A>C (p.Lys5870Gln)

Gene: NEB (nebulin; minus strand). Cytogenetic location: 2q23.3.
Variant type: single nucleotide variant.
Coding change: c.17608A>C on transcript NM_001164508.2 (MANE Select); coding-DNA position 17608, A replaced by C.
Protein change: p.Lys5870Gln; replaces lysine 5870 with glutamine.
Molecular consequence: missense variant.
Genome position (GRCh38, 1-based): chr2:151,568,644, T>G on the plus strand (A>C on the coding strand, the complement: NEB is on the minus strand). VCF-style: chr2-151568644-T-G. GRCh37 (hg19) VCF-style: chr2-152425158-T-G.
Other names: c.17608A>C, p.Lys5870Gln (NM_001164507.2, NM_001271208.2); c.12505A>C, p.Lys4169Gln (NM_004543.5); short protein forms K5870Q, K4169Q.
Identifiers: ClinVar variation 2126453 (VCV002126453.4), dbSNP rs2552194814, ClinGen allele CA348805148.
Genomic context (GRCh38, chr2:151,568,644, plus strand): 5'-TCACTGTGAGATTTTAAAACAGCCATATACTTACATCATCGAGGATCTCGCCACTTTGTT[T>G]CGCTGTCACATAATCAACTCTGTCATCCACAGGCGTAAAGTTGAGAGTTTCTATTTTTGT-3'
Protein context (NP_001157980.2, residues 5860-5880): VDDRVDYVTA[Lys5870Gln]QSGEILDDIK

ClinVar aggregate classification (germline): Uncertain significance (1 of 4 stars; one submission).

Conditions:
Nemaline myopathy 2 (NEM2). Also called: Nemaline myopathy 2, autosomal recessive. Identifiers: MedGen C1850569, MONDO:0009725, OMIM 256030.

Submission:

Labcorp Genetics (formerly Invitae), Labcorp
Classification: Uncertain significance for Nemaline myopathy 2. Last evaluated: 2022-04-25. Review status: criteria provided, single submitter. Criteria: Invitae Variant Classification Sherloc (09022015). Collection method: clinical testing. Allele origin: germline.
Comment: Algorithms developed to predict the effect of missense changes on protein structure and function are either unavailable or do not agree on the potential impact of this missense change (SIFT: "Deleterious"; PolyPhen-2: "Not Available"; Align-GVGD: "Class C0"). In summary, the available evidence is currently insufficient to determine the role of this variant in disease. Therefore, it has been classified as a Variant of Uncertain Significance. This variant has not been reported in the literature in individuals affected with NEB-related conditions. This variant is not present in population databases (gnomAD no frequency). This sequence change replaces lysine, which is basic and polar, with glutamine, which is neutral and polar, at codon 5870 of the NEB protein (p.Lys5870Gln).